The following is an entry in ClinVar:

ClinVar aggregate classification (germline): Benign/Likely benign. Review status: criteria provided, multiple submitters, no conflicts (2 of 4 stars). 3 submissions from 3 submitters: Benign (2); Likely benign (1). Last evaluated 2026-05-06.

Allele frequency attached by ClinVar (database versions not stated): gnomAD exomes 0.00002 and 0.00006; ExAC 0.00007; ESP Exome Variant Server 0.00008; TOPMed 0.00025; gnomAD 0.00029 and 0.00031; 1000 Genomes Project 0.00040; 1000 Genomes Project 30x 0.00047.
gnomAD v4.1: 78 of 1,613,846 alleles (0.0048%); highest among the groups gnomAD compares: African/African-American, 0.1%; no homozygotes.

Submissions (3):

Revvity Omics, Revvity
Classification: Benign. Last evaluated: 2026-05-06. Review status: criteria provided, single submitter. Criteria: ACMG Guidelines, 2015. Collection method: clinical testing. Allele origin: germline.

Labcorp Genetics (formerly Invitae), Labcorp
Classification: Benign. Last evaluated: 2025-06-12. Review status: criteria provided, single submitter. Criteria: Invitae Variant Classification Sherloc (09022015). Collection method: clinical testing. Allele origin: germline.

CeGaT Center for Human Genetics Tuebingen
Classification: Likely benign. Last evaluated: 2022-11-01. Review status: criteria provided, single submitter. Criteria: CeGaT Center For Human Genetics Tuebingen Variant Classification Criteria Version 2. Collection method: clinical testing. Allele origin: germline. Affected: yes. Observed: 1 variant allele.
Comment: CNNM2: BP4, BP7

NM_017649.5(CNNM2):c.1896A>G (p.Leu632=)

Gene: CNNM2 (cyclin and CBS domain divalent metal cation transport mediator 2; plus strand). Cytogenetic location: 10q24.32.
Variant type: single nucleotide variant.
Coding change: c.1896A>G on transcript NM_017649.5 (MANE Select); coding-DNA position 1896, A replaced by G.
Protein change: p.Leu632=; no amino-acid change (leucine 632 retained).
Molecular consequence: synonymous variant.
Genome position (GRCh38, 1-based): chr10:103,054,459, A>G. VCF-style: chr10-103054459-A-G. GRCh37 (hg19) VCF-style: chr10-104814216-A-G.
Other names: c.1896A>G, p.Leu632= (NM_199076.3); c.1896A>G (NM_017649.4).
Identifiers: ClinVar variation 1599652 (VCV001599652.32), dbSNP rs114898118, ClinGen allele CA5670476.